The following is an entry in ClinVar:

NM_000355.4(TCN2):c.1110T>C (p.Tyr370=)

Gene: TCN2 (transcobalamin 2; plus strand). Cytogenetic location: 22q12.2.
Variant type: single nucleotide variant.
Coding change: c.1110T>C on transcript NM_000355.4 (MANE Select); coding-DNA position 1110, T replaced by C.
Protein change: p.Tyr370=; no amino-acid change (tyrosine 370 retained).
Molecular consequence: synonymous variant.
Genome position (GRCh38, 1-based): chr22:30,622,971, T>C. VCF-style: chr22-30622971-T-C. GRCh37 (hg19) VCF-style: chr22-31018958-T-C.
Other names: c.1029T>C, p.Tyr343= (NM_001184726.2).
Identifiers: ClinVar variation 729266 (VCV000729266.10), dbSNP rs369589347, ClinGen allele CA10184988.

ClinVar aggregate classification (germline): Likely benign. Review status: criteria provided, single submitter (1 of 4 stars). 2 submissions from 2 submitters: Likely benign (1). 1 of the submissions does not count toward it. Last evaluated 2025-12-20.

Conditions:
TCN2-related disorder. Also called: TCN2-related condition.
Transcobalamin II deficiency (TCN2D). Also called: TC II DEFICIENCY; TCN2 DEFICIENCY; Transcolabamin II deficiency. Identifiers: Orphanet 859, MedGen C0342701, MONDO:0010149, OMIM 275350.

Allele frequency attached by ClinVar (database versions not stated): ExAC 0.00002; gnomAD exomes 0.00002; gnomAD 0.00006; TOPMed 0.00006.
gnomAD v4.1: 43 of 1,613,986 alleles (0.0027%); highest among the groups gnomAD compares: Middle Eastern, 0.016%; no homozygotes.

Submissions (2):

Labcorp Genetics (formerly Invitae), Labcorp
Classification: Likely benign for Transcobalamin II deficiency. Last evaluated: 2025-12-20. Review status: criteria provided, single submitter. Criteria: Invitae Variant Classification Sherloc (09022015). Collection method: clinical testing. Allele origin: germline.

PreventionGenetics, part of Exact Sciences
Classification: Likely benign for TCN2-related condition. Last evaluated: 2021-04-01. Review status: no assertion criteria provided. Collection method: clinical testing. Allele origin: germline. Not counted in ClinVar's aggregate classification.
Comment: This variant is classified as likely benign based on ACMG/AMP sequence variant interpretation guidelines (Richards et al. 2015 PMID: 25741868, with internal and published modifications).